The following is an entry in ClinVar:

NM_015346.4(ZFYVE26):c.5729G>A (p.Trp1910Ter)

Gene: ZFYVE26 (zinc finger FYVE-type containing 26; minus strand). Cytogenetic location: 14q24.1.
Variant type: single nucleotide variant.
Coding change: c.5729G>A on transcript NM_015346.4 (MANE Select); coding-DNA position 5729, G replaced by A.
Protein change: p.Trp1910Ter; replaces tryptophan 1910 with a stop codon.
Molecular consequence: nonsense.
Genome position (GRCh38, 1-based): chr14:67,767,765, C>T on the plus strand (G>A on the coding strand, the complement: ZFYVE26 is on the minus strand). VCF-style: chr14-67767765-C-T. GRCh37 (hg19) VCF-style: chr14-68234482-C-T.
Other names: short protein forms W1910*.
Identifiers: ClinVar variation 2878461 (VCV002878461.5), dbSNP rs2502760250, ClinGen allele CA390166407.
Genomic context (GRCh38, chr14:67,767,765, plus strand): 5'-TGCTCATAGTAAAATTCACTCCGCACCAGCTCATTTTCCTCCTCTTTGAGATCCAAAATC[C>T]ATTCCACCTCATCTGCTTTGGGGACTCTCACCACAAACGAGTATGGAGGGCTTTCATTCT-3'

ClinVar aggregate classification (germline): Pathogenic/Likely pathogenic. Review status: criteria provided, multiple submitters, no conflicts (2 of 4 stars). 3 submissions from 3 submitters: Pathogenic (1); Likely pathogenic (2). Last evaluated 2023-06-23.

Conditions:
ZFYVE26-related disorder. Also called: ZFYVE26-related condition.
Hereditary spastic paraplegia 15 (SPG15). Also called: SPASTIC PARAPLEGIA 15, AUTOSOMAL RECESSIVE; KJELLIN SYNDROME; SPASTIC PARAPLEGIA AND RETINAL DEGENERATION. Identifiers: Orphanet 100996, MedGen C1849128, MONDO:0010044, OMIM 270700.
Spastic paraplegia. Identifiers: MedGen C0037772, HP:0001258.

Submissions (3):

Labcorp Genetics (formerly Invitae), Labcorp
Classification: Pathogenic for Spastic paraplegia. Last evaluated: 2023-06-23. Review status: criteria provided, single submitter. Criteria: Invitae Variant Classification Sherloc (09022015). Collection method: clinical testing. Allele origin: germline.
Comment: For these reasons, this variant has been classified as Pathogenic. This variant has not been reported in the literature in individuals affected with ZFYVE26-related conditions. This variant is not present in population databases (gnomAD no frequency). This sequence change creates a premature translational stop signal (p.Trp1910*) in the ZFYVE26 gene. It is expected to result in an absent or disrupted protein product. Loss-of-function variants in ZFYVE26 are known to be pathogenic (PMID: 18394578, 19805727).

Blueprint Genetics
Classification: Likely pathogenic for ZFYVE26-related disorders. Last evaluated: 2018-12-27. Review status: criteria provided, single submitter. Criteria: ACMG Guidelines, 2015. Collection method: clinical testing. Allele origin: germline. Affected: yes. Observed: 1 variant allele.

Neuberg Centre For Genomic Medicine, NCGM
Classification: Likely pathogenic for Hereditary spastic paraplegia 15. Review status: criteria provided, single submitter. Criteria: ACMG Guidelines, 2015. Collection method: clinical testing. Allele origin: germline. Inheritance: Autosomal recessive inheritance. Affected: yes.
Comment: The observed stop gained variant c.5729G>Ap.Trp1910Ter in the ZFYVE26 gene has not been reported previously as a pathogenic variant nor as a benign variant, to our knowledge. This variant is absent in the gnomAD Exomes. This variant is predicted to cause loss of normal protein function either through protein truncation or nonsense-mediated mRNA decay. Loss of function variants have been previously reported to be disease causing Hsu SL, et al., 2022. Computational evidence MutationTaster - Disease causing predicts damaging effect on protein structure and function for this variant. For these reasons, this variant has been classified as Likely Pathogenic.

Literature cited by the submitters: PubMed 18394578 (cited by Labcorp Genetics (formerly Invitae), Labcorp); PubMed 19805727 (cited by Labcorp Genetics (formerly Invitae), Labcorp).